The following is an entry in ClinVar:

ClinVar aggregate classification (germline): Conflicting classifications of pathogenicity. Review status: criteria provided, conflicting classifications (1 of 4 stars). 5 submissions from 5 submitters: Uncertain significance (3); Likely benign (2). Last evaluated 2025-09-24.

Conditions:
Cardiovascular phenotype. Identifiers: MedGen CN230736.

Allele frequency attached by ClinVar (database versions not stated): TOPMed 0.00011; gnomAD 0.00013; gnomAD exomes 0.00015; 1000 Genomes Project 30x 0.00016; ExAC 0.00018; 1000 Genomes Project 0.00020; ESP Exome Variant Server 0.00026.
gnomAD v4.1: 303 of 1,612,386 alleles (0.019%); highest among the groups gnomAD compares: Non-Finnish European, 0.024%; no homozygotes.

Submissions (5):

GeneDx
Classification: Uncertain significance. Last evaluated: 2025-09-24. Review status: criteria provided, single submitter. Criteria: GeneDx Variant Classification Process June 2021. Collection method: clinical testing. Allele origin: germline. Affected: yes.
Comment: In silico analysis suggests that this missense variant does not alter protein structure/function; Has not been previously published as pathogenic or benign to our knowledge

Women's Health and Genetics/Laboratory Corporation of America, LabCorp
Classification: Uncertain significance. Last evaluated: 2025-07-23. Review status: criteria provided, single submitter. Criteria: LabCorp Variant Classification Summary - May 2015. Collection method: clinical testing. Allele origin: germline.
Comment: Variant summary: TNXB c.7694C>T (p.Ala2565Val) results in a non-conservative amino acid change in the encoded protein sequence. Algorithms developed to predict the effect of missense changes on protein structure and function are either unavailable or do not agree on the potential impact of this missense change. The variant allele was found at a frequency of 0.00015 in 247242 control chromosomes. This frequency is not significantly higher than estimated for a pathogenic variant in TNXB causing Ehlers-Danlos syndrome due to tenascin-X deficiency (0.00015 vs 0.0011), allowing no conclusion about variant significance. To our knowledge, no occurrence of c.7694C>T in individuals affected with Ehlers-Danlos syndrome due to tenascin-X deficiency and no experimental evidence demonstrating its impact on protein function have been reported. ClinVar contains an entry for this variant (Variation ID: 871706). Based on the evidence outlined above, the variant was classified as uncertain significance.

Mayo Clinic Laboratories, Mayo Clinic
Classification: Likely benign. Last evaluated: 2025-05-07. Review status: criteria provided, single submitter. Criteria: ACMG Guidelines, 2015. Collection method: clinical testing. Allele origin: germline. Observed: 2 variant alleles.
Comment: BP4_strong

Ambry Genetics
Classification: Likely benign for Cardiovascular phenotype. Last evaluated: 2022-10-04. Review status: criteria provided, single submitter. Criteria: Ambry Variant Classification Scheme 2023. Collection method: clinical testing. Allele origin: germline.

CeGaT Center for Human Genetics Tuebingen
Classification: Uncertain significance. Last evaluated: 2020-09-01. Review status: criteria provided, single submitter. Criteria: CeGaT Center For Human Genetics Tuebingen Variant Classification Criteria Version 2. Collection method: clinical testing. Allele origin: germline. Affected: yes. Observed: 2 variant alleles.

NM_001365276.2(TNXB):c.7694C>T (p.Ala2565Val)

Gene: TNXB (tenascin XB; minus strand). Cytogenetic location: 6p21.33.
Variant type: single nucleotide variant.
Coding change: c.7694C>T on transcript NM_001365276.2 (MANE Select); coding-DNA position 7694, C replaced by T.
Protein change: p.Ala2565Val; replaces alanine 2565 with valine.
Molecular consequence: missense variant.
Genome position (GRCh38, 1-based): chr6:32,058,189, G>A on the plus strand (C>T on the coding strand, the complement: TNXB is on the minus strand). VCF-style: chr6-32058189-G-A. GRCh37 (hg19) VCF-style: chr6-32025966-G-A.
Other names: p.Ala2565Val; c.7694C>T, p.Ala2565Val (NM_019105.8); short protein forms A2565V.
Identifiers: ClinVar variation 871706 (VCV000871706.47), dbSNP rs199719197, ClinGen allele CA3734082.
Genomic context (GRCh38, chr6:32,058,189, plus strand): 5'-TTGCGCCCAGGCTCCAGGCCCCTCACAGTGACCTTGCTCTCCTGGCCCCCAACACGCACC[G>A]CCTGGGGCCGCCCGTCCCTGTCCTTGTACTGCACGGTGAAGGAGTCAAAGCGGCCCTGGG-3'
Protein context (NP_001352205.1, residues 2555-2575): QYKDRDGRPQ[Ala2565Val]VRVGGQESKV